The following is an entry in ClinVar:

ClinVar aggregate classification (germline): Benign/Likely benign. Review status: criteria provided, multiple submitters, no conflicts (2 of 4 stars). 3 submissions from 3 submitters: Benign (1); Likely benign (2). Last evaluated 2026-01-10.

Conditions:
Familial cancer of breast. Also called: BREAST CANCER, FAMILIAL; Hereditary breast cancer; hereditary breast carcinoma. Identifiers: Orphanet 227535, MedGen C0346153, MONDO:0016419, OMIM 114480. Disease mechanism: loss of function.
Hereditary cancer-predisposing syndrome. Also called: Neoplastic Syndromes, Hereditary; Hereditary Cancer Syndrome; Hereditary neoplastic syndrome; Tumor predisposition. Identifiers: Orphanet 140162, MedGen C0027672, MeSH D009386, MONDO:0015356.

Allele frequency attached by ClinVar (database versions not stated): gnomAD exomes below 0.00001.
gnomAD v4.1: 2 of 1,614,178 alleles (0.00012%); highest among the groups gnomAD compares: African/African-American, 0.0013%; no homozygotes.

Submissions (3):

Labcorp Genetics (formerly Invitae), Labcorp
Classification: Likely benign for Familial cancer of breast. Last evaluated: 2026-01-10. Review status: criteria provided, single submitter. Criteria: Invitae Variant Classification Sherloc (09022015). Collection method: clinical testing. Allele origin: germline.

Myriad Genetics, Inc.
Classification: Benign for Familial cancer of breast. Last evaluated: 2025-01-14. Review status: criteria provided, single submitter. Criteria: Myriad Autosomal Dominant, Autosomal Recessive and X-Linked Classification Criteria (2023). Collection method: clinical testing. Allele origin: unknown.
Comment: This variant is considered benign. This variant is a silent/synonymous amino acid change and it is not expected to impact splicing.

Ambry Genetics
Classification: Likely benign for Hereditary cancer-predisposing syndrome. Last evaluated: 2020-01-21. Review status: criteria provided, single submitter. Criteria: Ambry Variant Classification Scheme 2023. Collection method: clinical testing. Allele origin: germline.

NM_024675.4(PALB2):c.1875A>G (p.Glu625=)

Gene: PALB2 (partner and localizer of BRCA2; minus strand). Cytogenetic location: 16p12.2.
Variant type: single nucleotide variant.
Coding change: c.1875A>G on transcript NM_024675.4 (MANE Select); coding-DNA position 1875, A replaced by G.
Protein change: p.Glu625=; no amino-acid change (glutamic acid 625 retained).
Molecular consequence: synonymous variant.
Genome position (GRCh38, 1-based): chr16:23,630,279, T>C on the plus strand (A>G on the coding strand, the complement: PALB2 is on the minus strand). VCF-style: chr16-23630279-T-C. GRCh37 (hg19) VCF-style: chr16-23641600-T-C.
Identifiers: ClinVar variation 460915 (VCV000460915.15), dbSNP rs1555460606, ClinGen allele CA494461218.